The following is an entry in ClinVar:

NM_019888.3(MC3R):c.771C>G (p.Pro257=)

Gene: MC3R (melanocortin 3 receptor; plus strand). Cytogenetic location: 20q13.2.
Variant type: single nucleotide variant.
Coding change: c.771C>G on transcript NM_019888.3 (MANE Select); coding-DNA position 771, C replaced by G.
Protein change: p.Pro257=; no amino-acid change (proline 257 retained).
Molecular consequence: synonymous variant.
Genome position (GRCh38, 1-based): chr20:56,249,614, C>G. VCF-style: chr20-56249614-C-G. GRCh37 (hg19) VCF-style: chr20-54824670-C-G.
Identifiers: ClinVar variation 3355214 (VCV003355214.1).

ClinVar aggregate classification (germline): Likely benign (0 of 4 stars; one submission).

Conditions:
MC3R-related disorder. Also called: MC3R-related condition.

Submission:

PreventionGenetics, part of Exact Sciences
Classification: Likely benign for MC3R-related condition. Last evaluated: 2021-09-14. Review status: no assertion criteria provided. Collection method: clinical testing. Allele origin: germline.
Comment: This variant is classified as likely benign based on ACMG/AMP sequence variant interpretation guidelines (Richards et al. 2015 PMID: 25741868, with internal and published modifications).